The following is an entry in ClinVar:

NM_000138.5(FBN1):c.5725A>C (p.Ile1909Leu)

Gene: FBN1 (fibrillin 1; minus strand). Cytogenetic location: 15q21.1.
Variant type: single nucleotide variant.
Coding change: c.5725A>C on transcript NM_000138.5 (MANE Select); coding-DNA position 5725, A replaced by C.
Protein change: p.Ile1909Leu; replaces isoleucine 1909 with leucine.
Molecular consequence: missense variant.
Genome position (GRCh38, 1-based): chr15:48,446,769, T>G on the plus strand (A>C on the coding strand, the complement: FBN1 is on the minus strand). VCF-style: chr15-48446769-T-G. GRCh37 (hg19) VCF-style: chr15-48738966-T-G.
Other names: short protein forms I1909L.
Identifiers: ClinVar variation 263396 (VCV000263396.16), dbSNP rs886038785, ClinGen allele CA10587810.

ClinVar aggregate classification (germline): Uncertain significance. Review status: criteria provided, multiple submitters, no conflicts (2 of 4 stars). 4 submissions from 4 submitters: Uncertain significance (4). Last evaluated 2026-01-22.

Conditions:
Marfan syndrome (MFS). Also called: MARFAN SYNDROME, TYPE I; FBN1-Related Marfan Syndrome; Marfan syndrome, classic; Marfan syndrome type 1; Marfan's syndrome. Identifiers: Orphanet 284963, Orphanet 558, MedGen C0024796, MONDO:0007947, OMIM 154700.
Familial thoracic aortic aneurysm and aortic dissection (TAAD). Also called: Thoracic aortic aneurysms and dissections. Identifiers: Orphanet 91387, MedGen C4707243, MONDO:0019625.

Allele frequency attached by ClinVar (database versions not stated): TOPMed 0.00001.
gnomAD v4.1: 3 of 1,613,374 alleles (0.00019%); highest among the groups gnomAD compares: Non-Finnish European, 0.00025%; no homozygotes.

Submissions (4):

Labcorp Genetics (formerly Invitae), Labcorp
Classification: Uncertain significance for Marfan syndrome; Familial thoracic aortic aneurysm and aortic dissection. Last evaluated: 2026-01-22. Review status: criteria provided, single submitter. Criteria: Invitae Variant Classification Sherloc (09022015). Collection method: clinical testing. Allele origin: germline.
Comment: This sequence change replaces isoleucine, which is neutral and non-polar, with leucine, which is neutral and non-polar, at codon 1909 of the FBN1 protein (p.Ile1909Leu). This variant is not present in population databases (gnomAD no frequency). This variant has not been reported in the literature in individuals affected with FBN1-related conditions. ClinVar contains an entry for this variant (Variation ID: 263396). Invitae Evidence Modeling of protein sequence and biophysical properties (such as structural, functional, and spatial information, amino acid conservation, physicochemical variation, residue mobility, and thermodynamic stability) indicates that this missense variant is not expected to disrupt FBN1 protein function with a negative predictive value of 95%. In summary, the available evidence is currently insufficient to determine the role of this variant in disease. Therefore, it has been classified as a Variant of Uncertain Significance.

Ambry Genetics
Classification: Uncertain significance for Familial thoracic aortic aneurysm and aortic dissection. Last evaluated: 2025-02-05. Review status: criteria provided, single submitter. Criteria: Ambry Variant Classification Scheme 2023. Collection method: clinical testing. Allele origin: germline.
Comment: The p.I1909L variant (also known as c.5725A>C), located in coding exon 46 of the FBN1 gene, results from an A to C substitution at nucleotide position 5725. The isoleucine at codon 1909 is replaced by leucine, an amino acid with highly similar properties. This amino acid position is not well conserved in available vertebrate species. In addition, this alteration is predicted to be tolerated by in silico analysis. Based on the available evidence, the clinical significance of this variant remains unclear.

All of Us Research Program, National Institutes of Health
Classification: Uncertain significance for Marfan syndrome. Last evaluated: 2024-02-22. Review status: criteria provided, single submitter. Criteria: ACMG Guidelines, 2015. Collection method: clinical testing. Allele origin: germline. Inheritance: Autosomal dominant inheritance. Observed: 1 variant allele, 1 heterozygote.
Comment: This missense variant replaces isoleucine with leucine at codon 1909 of the FBN1 protein. Computational prediction suggests that this variant may not impact protein structure and function (internally defined REVEL score threshold <= 0.5, PMID: 27666373). Splice site prediction tools suggest that this variant may not impact RNA splicing. To our knowledge, functional studies have not been performed for this variant. This variant has not been reported in individuals affected with cardiovascular disorders in the literature. This variant has not been identified in the general population by the Genome Aggregation Database (gnomAD). The available evidence is insufficient to determine the role of this variant in disease conclusively. Therefore, this variant is classified as a Variant of Uncertain Significance.

This study involves interpretation of variants in research participants for the purpose of population health screening. Participant phenotype was not available at the time of variant classification. Additional details can be found in publication PMID: 35346344, PMCID: PMC8962531

Color Diagnostics, LLC DBA Color Health
Classification: Uncertain significance for Familial thoracic aortic aneurysm and aortic dissection. Last evaluated: 2024-02-09. Review status: criteria provided, single submitter. Criteria: ACMG Guidelines, 2015. Collection method: clinical testing. Allele origin: germline.
Comment: This missense variant replaces isoleucine with leucine at codon 1909 of the FBN1 protein. Computational prediction tools indicate that this variant has a neutral impact on protein structure and function. To our knowledge, functional studies have not been reported for this variant. This variant has not been reported in individuals affected with FBN1-related disorders in the literature. This variant has not been identified in the general population by the Genome Aggregation Database (gnomAD). The available evidence is insufficient to determine the role of this variant in disease conclusively. Therefore, this variant is classified as a Variant of Uncertain Significance.